The following is an entry in ClinVar:

NM_015047.3(EMC1):c.1013del (p.Cys338fs)

Genes: EMC1 (ER membrane protein complex subunit 1; minus strand), EMC1-AS1 (EMC1 antisense RNA 1; plus strand). Cytogenetic location: 1p36.13.
Variant type: Deletion.
Coding change: c.1013del on transcript NM_015047.3 (MANE Select); coding-DNA position 1013, one base deleted (G; older notation c.1013delG).
Protein change: p.Cys338fs; shifts the reading frame from cysteine 338.
Molecular consequence: frameshift variant.
Genome position (GRCh38, 1-based): chr1:19,239,244, C deleted on the plus strand (G on the coding strand, the reverse complement: EMC1 is on the minus strand). VCF-style (leftmost placement, unchanged base first): chr1-19239243-AC-A. GRCh37 (hg19) VCF-style: chr1-19565737-AC-A.
Other names: c.1013del, p.Cys338fs (NM_001271427.2, NM_001271428.2, NM_001375820.1 and 1 more transcripts); c.947del, p.Cys316fs (NM_001271429.2); short protein forms C316fs, C338fs.
Identifiers: ClinVar variation 1451366 (VCV001451366.9), dbSNP rs1386384373, ClinGen allele CA729208012.

ClinVar aggregate classification (germline): Pathogenic/Likely pathogenic. Review status: criteria provided, multiple submitters, no conflicts (2 of 4 stars). 3 submissions from 3 submitters: Pathogenic (1); Likely pathogenic (2). Last evaluated 2025-06-09.

Conditions:
EMC1-related disorder. Also called: EMC1-related condition.

Allele frequency attached by ClinVar (database versions not stated): gnomAD exomes below 0.00001; TOPMed 0.00001.

Submissions (3):

Dasa
Classification: Likely pathogenic. Last evaluated: 2025-06-09. Review status: criteria provided, single submitter. Criteria: DASA Assertion Criteria. Collection method: clinical testing. Allele origin: germline.
Comment: NM_015047.3(EMC1):c.1013del (p.Cys338Phefs*54) is a frameshift variant in EMC1 predicted to alter the reading frame and introduce a premature termination codon and is predicted to result in an absent or altered protein product. Loss of function is an established disease mechanism for EMC1-associated disorders. Also, this variant is rare in population databases. Based on the currently available evidence, this variant is classified as likely pathogenic.

Labcorp Genetics (formerly Invitae), Labcorp
Classification: Pathogenic. Last evaluated: 2025-05-18. Review status: criteria provided, single submitter. Criteria: Invitae Variant Classification Sherloc (09022015). Collection method: clinical testing. Allele origin: germline.
Comment: This sequence change creates a premature translational stop signal (p.Cys338Phefs*54) in the EMC1 gene. It is expected to result in an absent or disrupted protein product. Loss-of-function variants in EMC1 are known to be pathogenic (PMID: 26572623, 26942288, 29271071). This variant is not present in population databases (gnomAD no frequency). This variant has not been reported in the literature in individuals affected with EMC1-related conditions. ClinVar contains an entry for this variant (Variation ID: 1451366). For these reasons, this variant has been classified as Pathogenic.

Blueprint Genetics
Classification: Likely pathogenic for EMC1-related disorders. Last evaluated: 2021-10-18. Review status: criteria provided, single submitter. Criteria: ACMG Guidelines, 2015. Collection method: clinical testing. Allele origin: germline. Affected: yes. Observed: 1 variant allele.

Literature cited by the submitters: PubMed 26572623 (cited by Labcorp Genetics (formerly Invitae), Labcorp); PubMed 26942288 (cited by Labcorp Genetics (formerly Invitae), Labcorp); PubMed 29271071 (cited by Labcorp Genetics (formerly Invitae), Labcorp).